The following is an entry in ClinVar:

NM_002692.4(POLE2):c.176C>A (p.Ser59Ter)

Gene: POLE2 (DNA polymerase epsilon 2, accessory subunit; minus strand). Cytogenetic location: 14q21.3.
Variant type: single nucleotide variant.
Coding change: c.176C>A on transcript NM_002692.4 (MANE Select); coding-DNA position 176, C replaced by A.
Protein change: p.Ser59Ter; replaces serine 59 with a stop codon.
Molecular consequence: nonsense. On other transcripts: 5 prime UTR variant (1).
Genome position (GRCh38, 1-based): chr14:49,679,794, G>T on the plus strand (C>A on the coding strand, the complement: POLE2 is on the minus strand). VCF-style: chr14-49679794-G-T. GRCh37 (hg19) VCF-style: chr14-50146512-G-T.
Other names: c.176C>A, p.Ser59Ter (NM_001197330.2, NM_001197331.3, NM_001348384.2); c.-60C>A (NM_001348385.2); short protein forms S59*.
Identifiers: ClinVar variation 2029734 (VCV002029734.4), dbSNP rs2502927481, ClinGen allele CA389615231.

ClinVar aggregate classification (germline): Uncertain significance (1 of 4 stars; one submission).

Allele frequency attached by ClinVar (database versions not stated): gnomAD exomes below 0.00001.
gnomAD v4.1: 1 of 1,578,170 alleles (0.000063%); highest among the groups gnomAD compares: Non-Finnish European, 0.000087%; no homozygotes.

Submission:

Labcorp Genetics (formerly Invitae), Labcorp
Classification: Uncertain significance. Last evaluated: 2025-08-15. Review status: criteria provided, single submitter. Criteria: Invitae Variant Classification Sherloc (09022015). Collection method: clinical testing. Allele origin: germline.
Comment: This sequence change creates a premature translational stop signal (p.Ser59*) in the POLE2 gene. It is expected to result in an absent or disrupted protein product. However, the current clinical and genetic evidence is not sufficient to establish whether loss-of-function variants in POLE2 cause disease. This variant is not present in population databases (gnomAD no frequency). This variant has not been reported in the literature in individuals affected with POLE2-related conditions. ClinVar contains an entry for this variant (Variation ID: 2029734). In summary, the available evidence is currently insufficient to determine the role of this variant in disease. Therefore, it has been classified as a Variant of Uncertain Significance.